The following is an entry in ClinVar:

ClinVar aggregate classification (germline): Uncertain significance (1 of 4 stars; one submission).

Allele frequency attached by ClinVar (database versions not stated): gnomAD below 0.00001 and 0.00002; TOPMed below 0.00001; gnomAD exomes 0.00001.

Submission:

Labcorp Genetics (formerly Invitae), Labcorp
Classification: Uncertain significance. Last evaluated: 2022-09-13. Review status: criteria provided, single submitter. Criteria: Invitae Variant Classification Sherloc (09022015). Collection method: clinical testing. Allele origin: germline.
Comment: This sequence change replaces valine, which is neutral and non-polar, with phenylalanine, which is neutral and non-polar, at codon 15 of the ATOH7 protein (p.Val15Phe). This variant is not present in population databases (gnomAD no frequency). This variant has not been reported in the literature in individuals affected with ATOH7-related conditions. ClinVar contains an entry for this variant (Variation ID: 953540). Algorithms developed to predict the effect of missense changes on protein structure and function are either unavailable or do not agree on the potential impact of this missense change (SIFT: "Deleterious"; PolyPhen-2: "Benign"; Align-GVGD: "Class C0"). In summary, the available evidence is currently insufficient to determine the role of this variant in disease. Therefore, it has been classified as a Variant of Uncertain Significance.

NM_145178.4(ATOH7):c.43G>T (p.Val15Phe)

Genes: ATOH7 (atonal bHLH transcription factor 7; minus strand), LOC130003943 (ATAC-STARR-seq lymphoblastoid silent region 2418; plus strand). Cytogenetic location: 10q21.3.
Variant type: single nucleotide variant.
Coding change: c.43G>T on transcript NM_145178.4 (MANE Select); coding-DNA position 43, G replaced by T.
Protein change: p.Val15Phe; replaces valine 15 with phenylalanine.
Molecular consequence: missense variant.
Genome position (GRCh38, 1-based): chr10:68,231,635, C>A on the plus strand (G>T on the coding strand, the complement: ATOH7 is on the minus strand). VCF-style: chr10-68231635-C-A. GRCh37 (hg19) VCF-style: chr10-69991392-C-A.
Other names: short protein forms V15F.
Identifiers: ClinVar variation 953540 (VCV000953540.7), dbSNP rs2044028480, ClinGen allele CA376837841.